The following is an entry in ClinVar:

NM_001292063.2(OTOG):c.688G>A (p.Ala230Thr)

Gene: OTOG (otogelin; plus strand). Cytogenetic location: 11p15.1.
Variant type: single nucleotide variant.
Coding change: c.688G>A on transcript NM_001292063.2 (MANE Select); coding-DNA position 688, G replaced by A.
Protein change: p.Ala230Thr; replaces alanine 230 with threonine.
Molecular consequence: missense variant.
Genome position (GRCh38, 1-based): chr11:17,557,146, G>A. VCF-style: chr11-17557146-G-A. GRCh37 (hg19) VCF-style: chr11-17578693-G-A.
Other names: c.724G>A, p.Ala242Thr (NM_001277269.2); short protein forms A242T, A230T.
Identifiers: ClinVar variation 226906 (VCV000226906.17), dbSNP rs61910753, ClinGen allele CA5905393.

ClinVar aggregate classification (germline): Benign. Review status: criteria provided, multiple submitters, no conflicts (2 of 4 stars). 5 submissions from 5 submitters: Benign (5). Last evaluated 2026-01-27.

Allele frequency attached by ClinVar (database versions not stated): gnomAD exomes 0.00253 and 0.00533; ExAC 0.00533; gnomAD 0.02698 and 0.02905; 1000 Genomes Project 0.02955; TOPMed 0.03029; 1000 Genomes Project 30x 0.03217.
gnomAD v4.1: 7,823 of 1,550,382 alleles (0.5%); highest among the groups gnomAD compares: African/African-American, 9.5%; 321 homozygotes.

Submissions (5):

Labcorp Genetics (formerly Invitae), Labcorp
Classification: Benign. Last evaluated: 2026-01-27. Review status: criteria provided, single submitter. Criteria: Invitae Variant Classification Sherloc (09022015). Collection method: clinical testing. Allele origin: germline.

Athena Diagnostics
Classification: Benign. Last evaluated: 2018-05-23. Review status: criteria provided, single submitter. Criteria: Athena Diagnostics Criteria. Collection method: clinical testing. Allele origin: germline.

GeneDx
Classification: Benign. Last evaluated: 2017-10-05. Review status: criteria provided, single submitter. Criteria: GeneDx Variant Classification (06012015). Collection method: clinical testing. Allele origin: germline. Affected: yes.
Comment: This variant is considered likely benign or benign based on one or more of the following criteria: it is a conservative change, it occurs at a poorly conserved position in the protein, it is predicted to be benign by multiple in silico algorithms, and/or has population frequency not consistent with disease.

Laboratory for Molecular Medicine, Mass General Brigham Personalized Medicine
Classification: Benign. Last evaluated: 2014-11-24. Review status: criteria provided, single submitter. Criteria: LMM Criteria. Collection method: clinical testing. Allele origin: germline. Observed: 21 variant alleles.
Comment: Ala242Thr in exon 7 of OTOG: This variant is not expected to have clinical signi ficance because it has been identified in 13.1% (23/176) of Yoruba (Nigerian) ch romosomes from a broad population by the 1000 Genomes Project (dbSNP rs61910753).

Breakthrough Genomics
Classification: Benign. Review status: criteria provided, single submitter. Criteria: ACMG Guidelines, 2015. Collection method: not provided. Allele origin: germline. Inheritance: Autosomal recessive inheritance. Affected: yes.